The following is an entry in ClinVar:

ClinVar aggregate classification (germline): Benign/Likely benign. Review status: criteria provided, multiple submitters, no conflicts (2 of 4 stars). 3 submissions from 3 submitters: Benign (1); Likely benign (2). Last evaluated 2024-11-13.

Conditions:
Papillary renal cell carcinoma type 1 (RCCP1). Also called: Renal adenocarcinoma; Renal cell carcinoma 1; Renal cell carcinoma, somatic; RENAL CELL CARCINOMA, PAPILLARY, 1, SOMATIC. Identifiers: Orphanet 47044, MedGen C1336839, OMIM 605074, HP:0011797.
Renal cell carcinoma. Identifiers: Orphanet 217071, MedGen C0007134, MeSH D002292, MONDO:0005086, HP:0005584.

Allele frequency attached by ClinVar (database versions not stated): gnomAD exomes below 0.00001 and 0.00001; ExAC 0.00001.
gnomAD v4.1: 4 of 1,613,984 alleles (0.00025%); highest among the groups gnomAD compares: Non-Finnish European, 0.00034%; no homozygotes.

Submissions (3):

Myriad Genetics, Inc.
Classification: Benign for Papillary renal cell carcinoma type 1. Last evaluated: 2024-11-13. Review status: criteria provided, single submitter. Criteria: Myriad Autosomal Dominant, Autosomal Recessive and X-Linked Classification Criteria (2023). Collection method: clinical testing. Allele origin: unknown.
Comment: This variant is considered benign. This variant is a silent/synonymous amino acid change and it is not expected to impact splicing.

Labcorp Genetics (formerly Invitae), Labcorp
Classification: Likely benign for Renal cell carcinoma. Last evaluated: 2022-10-21. Review status: criteria provided, single submitter. Criteria: Invitae Variant Classification Sherloc (09022015). Collection method: clinical testing. Allele origin: germline.

GeneDx
Classification: Likely benign. Last evaluated: 2018-02-16. Review status: criteria provided, single submitter. Criteria: GeneDx Variant Classification (06012015). Collection method: clinical testing. Allele origin: germline. Affected: yes.
Comment: This variant is considered likely benign or benign based on one or more of the following criteria: it is a conservative change, it occurs at a poorly conserved position in the protein, it is predicted to be benign by multiple in silico algorithms, and/or has population frequency not consistent with disease.

NM_000245.4(MET):c.3486T>C (p.His1162=)

Gene: MET (MET proto-oncogene, receptor tyrosine kinase; plus strand). Cytogenetic location: 7q31.2.
Variant type: single nucleotide variant.
Coding change: c.3486T>C on transcript NM_000245.4 (MANE Select); coding-DNA position 3486, T replaced by C.
Protein change: p.His1162=; no amino-acid change (histidine 1162 retained).
Molecular consequence: synonymous variant.
Genome position (GRCh38, 1-based): chr7:116,778,921, T>C. VCF-style: chr7-116778921-T-C. GRCh37 (hg19) VCF-style: chr7-116418975-T-C.
Other names: c.3540T>C (LRG_662t1); c.3540T>C, p.His1180= (NM_001127500.3); c.2196T>C, p.His732= (NM_001324402.2).
Identifiers: ClinVar variation 515634 (VCV000515634.7), dbSNP rs765565377, ClinGen allele CA4448729.